The following is an entry in ClinVar:

ClinVar aggregate classification (germline): Likely benign. Review status: criteria provided, multiple submitters, no conflicts (2 of 4 stars). 4 submissions from 4 submitters: Likely benign (2). 2 of the submissions do not count toward it. Last evaluated 2023-03-01.

Conditions:
Spermatogenic failure 39. Identifiers: MedGen C5231438, MONDO:0032845, OMIM 618643.

Allele frequency attached by ClinVar (database versions not stated): gnomAD 0.00004 and 0.00023; TOPMed 0.00008; gnomAD exomes 0.00042 and 0.00096; ExAC 0.00120; 1000 Genomes Project 30x 0.00234; 1000 Genomes Project 0.00260.
gnomAD v4.1: 651 of 1,599,620 alleles (0.041%); highest among the groups gnomAD compares: South Asian, 0.63%; 7 homozygotes.

Submissions (4):

CeGaT Center for Human Genetics Tuebingen
Classification: Likely benign. Last evaluated: 2023-03-01. Review status: criteria provided, single submitter. Criteria: CeGaT Center For Human Genetics Tuebingen Variant Classification Criteria Version 2. Collection method: clinical testing. Allele origin: germline. Affected: yes. Observed: 1 variant allele.
Comment: DNAH17: BP4, BP7, BS2

Fulgent Genetics
Classification: Likely benign for Spermatogenic failure 39. Last evaluated: 2021-07-24. Review status: criteria provided, single submitter. Criteria: ACMG Guidelines, 2015. Collection method: clinical testing. Allele origin: unknown.

Clinical Genetics DNA and cytogenetics Diagnostics Lab, Erasmus MC, Erasmus Medical Center
Classification: Likely benign. Review status: no assertion criteria provided. Collection method: clinical testing. Allele origin: germline. Affected: yes. Study: VKGL Data-share Consensus. Not counted in ClinVar's aggregate classification.

Laboratory of Diagnostic Genome Analysis, Leiden University Medical Center (LUMC)
Classification: Likely benign. Review status: no assertion criteria provided. Collection method: clinical testing. Allele origin: germline. Affected: yes. Study: VKGL Data-share Consensus. Not counted in ClinVar's aggregate classification.

NM_173628.4(DNAH17):c.11679A>G (p.Gly3893=)

Gene: DNAH17 (dynein axonemal heavy chain 17; minus strand). Cytogenetic location: 17q25.3.
Variant type: single nucleotide variant.
Coding change: c.11679A>G on transcript NM_173628.4 (MANE Select); coding-DNA position 11679, A replaced by G.
Protein change: p.Gly3893=; no amino-acid change (glycine 3893 retained).
Molecular consequence: synonymous variant.
Genome position (GRCh38, 1-based): chr17:78,439,216, T>C on the plus strand (A>G on the coding strand, the complement: DNAH17 is on the minus strand). VCF-style: chr17-78439216-T-C. GRCh37 (hg19) VCF-style: chr17-76435298-T-C.
Identifiers: ClinVar variation 1206003 (VCV001206003.27), dbSNP rs573132649, ClinGen allele CA8800355.